The following is an entry in ClinVar:

NM_002755.4(MAP2K1):c.378C>T (p.Ile126=)

Gene: MAP2K1 (mitogen-activated protein kinase kinase 1; plus strand). Cytogenetic location: 15q22.31.
Variant type: single nucleotide variant.
Coding change: c.378C>T on transcript NM_002755.4 (MANE Select); coding-DNA position 378, C replaced by T.
Protein change: p.Ile126=; no amino-acid change (isoleucine 126 retained).
Molecular consequence: synonymous variant.
Genome position (GRCh38, 1-based): chr15:66,436,832, C>T. VCF-style: chr15-66436832-C-T. GRCh37 (hg19) VCF-style: chr15-66729170-C-T.
Identifiers: ClinVar variation 509643 (VCV000509643.7), dbSNP rs369401783, ClinGen allele CA7623916.

ClinVar aggregate classification (germline): Likely benign. Review status: criteria provided, multiple submitters, no conflicts (2 of 4 stars). 3 submissions from 3 submitters: Likely benign (3). Last evaluated 2025-11-27.

Conditions:
Cardiovascular phenotype. Identifiers: MedGen CN230736.
RASopathy. Also called: Noonan spectrum disorder; rasopathies. Identifiers: Orphanet 536391, MedGen C5555857, MONDO:0021060.

Allele frequency attached by ClinVar (database versions not stated): ExAC 0.00001; gnomAD exomes 0.00001; gnomAD 0.00002; TOPMed 0.00002; ESP Exome Variant Server 0.00008.
gnomAD v4.1: 17 of 1,614,086 alleles (0.0011%); highest among the groups gnomAD compares: Admixed American, 0.005%; no homozygotes.

Submissions (3):

Labcorp Genetics (formerly Invitae), Labcorp
Classification: Likely benign for RASopathy. Last evaluated: 2025-11-27. Review status: criteria provided, single submitter. Criteria: Invitae Variant Classification Sherloc (09022015). Collection method: clinical testing. Allele origin: germline.

Ambry Genetics
Classification: Likely benign for Cardiovascular phenotype. Last evaluated: 2023-02-20. Review status: criteria provided, single submitter. Criteria: Ambry Variant Classification Scheme 2023. Collection method: clinical testing. Allele origin: germline.

GeneDx
Classification: Likely benign. Last evaluated: 2017-05-18. Review status: criteria provided, single submitter. Criteria: GeneDx Variant Classification (06012015). Collection method: clinical testing. Allele origin: germline. Affected: yes.
Comment: This variant is considered likely benign or benign based on one or more of the following criteria: it is a conservative change, it occurs at a poorly conserved position in the protein, it is predicted to be benign by multiple in silico algorithms, and/or has population frequency not consistent with disease.